The following is an entry in ClinVar:

NM_000478.6(ALPL):c.792+1G>A

Gene: ALPL (alkaline phosphatase, biomineralization associated; plus strand). Cytogenetic location: 1p36.12.
Variant type: single nucleotide variant.
Coding change: c.792+1G>A on transcript NM_000478.6 (MANE Select); the canonical splice donor site of the intron after coding-DNA position 792, G replaced by A.
Molecular consequence: splice donor variant.
Genome position (GRCh38, 1-based): chr1:21,568,248, G>A. VCF-style: chr1-21568248-G-A. GRCh37 (hg19) VCF-style: chr1-21894741-G-A.
Other names: c.792+1G>A (NM_001369805.2, NM_001369804.2, NM_001369803.2); c.627+1G>A (NM_001127501.4); c.561+1G>A (NM_001177520.3).
Identifiers: ClinVar variation 2708731 (VCV002708731.11), dbSNP rs2545317849, ClinGen allele CA338879513.

ClinVar aggregate classification (germline): Likely pathogenic. Review status: criteria provided, multiple submitters, no conflicts (2 of 4 stars). 2 submissions from 2 submitters: Likely pathogenic (2). Last evaluated 2025-04-01.

Submissions (3):

CeGaT Center for Human Genetics Tuebingen
Classification: Likely pathogenic. Last evaluated: 2025-04-01. Review status: criteria provided, single submitter. Criteria: CeGaT Center For Human Genetics Tuebingen Variant Classification Criteria Version 2. Collection method: clinical testing. Allele origin: germline. Affected: yes. Observed: 1 variant allele.
Comment: ALPL: PVS1:Strong, PM2, PP4:Moderate

Labcorp Genetics (formerly Invitae), Labcorp
Classification: Likely pathogenic. Last evaluated: 2024-03-24. Review status: criteria provided, single submitter. Criteria: Invitae Variant Classification Sherloc (09022015). Collection method: clinical testing. Allele origin: germline.
Comment: This sequence change affects a donor splice site in intron 7 of the ALPL gene. It is expected to disrupt RNA splicing. Variants that disrupt the donor or acceptor splice site typically lead to a loss of protein function (PMID: 16199547), and loss-of-function variants in ALPL are known to be pathogenic (PMID: 3174660, 10679946, 32973344, 33814268). This variant is not present in population databases (gnomAD no frequency). This variant has not been reported in the literature in individuals affected with ALPL-related conditions. Algorithms developed to predict the effect of sequence changes on RNA splicing suggest that this variant may disrupt the consensus splice site. In summary, the currently available evidence indicates that the variant is pathogenic, but additional data are needed to prove that conclusively. Therefore, this variant has been classified as Likely Pathogenic.

Dr. Peter K. Rogan Lab, Western University
No classification provided (evidence only). Condition: Melanoma. Review status: no classification provided. Collection method: in vitro. Allele origin: not applicable. Functional consequence: skipped exon. Not counted in ClinVar's aggregate classification.

Literature cited by the submitters: PubMed 16199547 (cited by Labcorp Genetics (formerly Invitae), Labcorp); PubMed 3174660 (cited by Labcorp Genetics (formerly Invitae), Labcorp); PubMed 10679946 (cited by Labcorp Genetics (formerly Invitae), Labcorp); PubMed 32973344 (cited by Labcorp Genetics (formerly Invitae), Labcorp); PubMed 33814268 (cited by Labcorp Genetics (formerly Invitae), Labcorp).